The following is an entry in ClinVar:

NM_022455.5(NSD1):c.344C>T (p.Ser115Phe)

Gene: NSD1 (nuclear receptor binding SET domain protein 1; plus strand). Cytogenetic location: 5q35.3.
Variant type: single nucleotide variant.
Coding change: c.344C>T on transcript NM_022455.5 (MANE Select); coding-DNA position 344, C replaced by T.
Protein change: p.Ser115Phe; replaces serine 115 with phenylalanine.
Molecular consequence: missense variant. On other transcripts: intron variant (7).
Genome position (GRCh38, 1-based): chr5:177,135,447, C>T. VCF-style: chr5-177135447-C-T. GRCh37 (hg19) VCF-style: chr5-176562448-C-T.
Other names: c.344C>T, p.Ser115Phe (NM_001409304.1, NM_001409301.1, NM_001409302.1 and 1 more transcripts); c.-37+247C>T (NM_001409305.1, NM_001409306.1, NM_001409308.1 and 4 more transcripts); short protein forms S115F.
Identifiers: ClinVar variation 3591953 (VCV003591953.3).
Genomic context (GRCh38, chr5:177,135,447, plus strand): 5'-AATCCTTTCAAGACCCTGAAAAAAGTGATTCAAGAGCTCAGACGCCAATTGTTTGCACTT[C>T]CTTGAGTCCTGGTGGTCCTACAGCACTTGCTATGAAACAGGAACCCTCTTGTAATAACTC-3'
Protein context (NP_071900.2, residues 105-125): SRAQTPIVCT[Ser115Phe]LSPGGPTALA

ClinVar aggregate classification (germline): Uncertain significance. Review status: criteria provided, multiple submitters, no conflicts (2 of 4 stars). 2 submissions from 2 submitters: Uncertain significance (2). Last evaluated 2026-04-01.

Conditions:
Sotos syndrome (SOTOS). Also called: CHROMOSOME 5q35 DELETION SYNDROME; SOTOS SYNDROME 1; Sotos' syndrome; Distinctive facial appearance, overgrowth in childhood, and learning disabilities or delayed development; CEREBRAL GIGANTISM. Identifiers: Orphanet 821, MedGen C0175695, MONDO:0019349, OMIM 117550.

Submissions (2):

CeGaT Center for Human Genetics Tuebingen
Classification: Uncertain significance. Last evaluated: 2026-04-01. Review status: criteria provided, single submitter. Criteria: CeGaT Center For Human Genetics Tuebingen Variant Classification Criteria Version 2. Collection method: clinical testing. Allele origin: germline. Affected: yes. Observed: 1 variant allele.
Comment: NSD1: PM2

Fulgent Genetics
Classification: Uncertain significance for Sotos syndrome. Last evaluated: 2024-05-17. Review status: criteria provided, single submitter. Criteria: ACMG Guidelines, 2015. Collection method: clinical testing. Allele origin: germline.